The following is an entry in ClinVar:

NM_020778.5(ALPK3):c.1770G>A (p.Met590Ile)

Gene: ALPK3 (alpha kinase 3; plus strand). Cytogenetic location: 15q25.3.
Variant type: single nucleotide variant.
Coding change: c.1770G>A on transcript NM_020778.5 (MANE Select); coding-DNA position 1770, G replaced by A.
Protein change: p.Met590Ile; replaces methionine 590 with isoleucine.
Molecular consequence: missense variant.
Genome position (GRCh38, 1-based): chr15:84,856,508, G>A. VCF-style: chr15-84856508-G-A. GRCh37 (hg19) VCF-style: chr15-85399739-G-A.
Other names: short protein forms M590I.
Identifiers: ClinVar variation 2991959 (VCV002991959.3), dbSNP rs1481449541, ClinGen allele CA393354588.
Genomic context (GRCh38, chr15:84,856,508, plus strand): 5'-TGTAGCCTCCATTGGGGTTAGCACTTCCGGAAGTCAAGGTATCATTGAACCCATGGATAT[G>A]GAAACCCAGGAGGATGGGAGAACATCTGCTAACCAGAGAACTGGAAGCAAGAAGAATGTG-3'
Protein context (NP_065829.4, residues 580-600): GSQGIIEPMD[Met590Ile]ETQEDGRTSA

ClinVar aggregate classification (germline): Uncertain significance (1 of 4 stars; one submission).

Allele frequency attached by ClinVar (database versions not stated): gnomAD exomes below 0.00001; TOPMed 0.00001.
gnomAD v4.1: 2 of 1,614,142 alleles (0.00012%); highest among the groups gnomAD compares: South Asian, 0.0011%; no homozygotes.

Submission:

Labcorp Genetics (formerly Invitae), Labcorp
Classification: Uncertain significance. Last evaluated: 2023-08-06. Review status: criteria provided, single submitter. Criteria: Invitae Variant Classification Sherloc (09022015). Collection method: clinical testing. Allele origin: germline.
Comment: This sequence change replaces methionine, which is neutral and non-polar, with isoleucine, which is neutral and non-polar, at codon 792 of the ALPK3 protein (p.Met792Ile). This variant is not present in population databases (gnomAD no frequency). This variant has not been reported in the literature in individuals affected with ALPK3-related conditions. An algorithm developed to predict the effect of missense changes on protein structure and function (PolyPhen-2) suggests that this variant is likely to be tolerated. In summary, the available evidence is currently insufficient to determine the role of this variant in disease. Therefore, it has been classified as a Variant of Uncertain Significance.